The following is an entry in ClinVar:

ClinVar aggregate classification (germline): Uncertain significance (1 of 4 stars; one submission).

Conditions:
Cardiovascular phenotype. Identifiers: MedGen CN230736.

Allele frequency attached by ClinVar (database versions not stated): TOPMed below 0.00001; gnomAD exomes 0.00001.
gnomAD v4.1: 11 of 1,607,838 alleles (0.00068%); highest among the groups gnomAD compares: Admixed American, 0.0017%; no homozygotes.

Submission:

Ambry Genetics
Classification: Uncertain significance for Cardiovascular phenotype. Last evaluated: 2023-11-11. Review status: criteria provided, single submitter. Criteria: Ambry Variant Classification Scheme 2023. Collection method: clinical testing. Allele origin: germline.
Comment: The p.E1154G variant (also known as c.3461A>G), located in coding exon 24 of the MYH6 gene, results from an A to G substitution at nucleotide position 3461. The glutamic acid at codon 1154 is replaced by glycine, an amino acid with similar properties. This amino acid position is conserved. In addition, the in silico prediction for this alteration is inconclusive. Since supporting evidence is limited at this time, the clinical significance of this alteration remains unclear.

NM_002471.4(MYH6):c.3461A>G (p.Glu1154Gly)

Gene: MYH6 (myosin heavy chain 6; minus strand). Cytogenetic location: 14q11.2.
Variant type: single nucleotide variant.
Coding change: c.3461A>G on transcript NM_002471.4 (MANE Select); coding-DNA position 3461, A replaced by G.
Protein change: p.Glu1154Gly; replaces glutamic acid 1154 with glycine.
Molecular consequence: missense variant.
Genome position (GRCh38, 1-based): chr14:23,390,328, T>C on the plus strand (A>G on the coding strand, the complement: MYH6 is on the minus strand). VCF-style: chr14-23390328-T-C. GRCh37 (hg19) VCF-style: chr14-23859537-T-C.
Other names: short protein forms E1154G.
Identifiers: ClinVar variation 3222332 (VCV003222332.1), dbSNP rs1288715863, ClinGen allele CA389006304.